The following is an entry in ClinVar:

NM_006949.4(STXBP2):c.1015G>C (p.Glu339Gln)

Gene: STXBP2 (syntaxin binding protein 2; plus strand). Cytogenetic location: 19p13.2.
Variant type: single nucleotide variant.
Coding change: c.1015G>C on transcript NM_006949.4 (MANE Select); coding-DNA position 1015, G replaced by C.
Protein change: p.Glu339Gln; replaces glutamic acid 339 with glutamine.
Molecular consequence: missense variant. On other transcripts: non-coding transcript variant (1).
Genome position (GRCh38, 1-based): chr19:7,643,037, G>C. VCF-style: chr19-7643037-G-C. GRCh37 (hg19) VCF-style: chr19-7707923-G-C.
Other names: c.1006G>C, p.Glu336Gln (NM_001127396.3); c.1048G>C, p.Glu350Gln (NM_001272034.2); c.919G>C, p.Glu307Gln (NM_001414484.1); short protein forms E336Q, E350Q, E339Q, E307Q.
Identifiers: ClinVar variation 4747465 (VCV004747465.1).

ClinVar aggregate classification (germline): Uncertain significance (1 of 4 stars; one submission).

Conditions:
Familial hemophagocytic lymphohistiocytosis 5. Also called: STXBP2-Related Familial Hemophagocytic Lymphohistiocytosis (STXBP2-fHLH). Identifiers: Orphanet 540, MedGen C2751293, MONDO:0013135, OMIM 613101.

gnomAD v4.1: 1 of 1,614,190 alleles (0.000062%); highest among the groups gnomAD compares: African/African-American, 0.0013%; no homozygotes.

Submission:

Labcorp Genetics (formerly Invitae), Labcorp
Classification: Uncertain significance for Familial hemophagocytic lymphohistiocytosis 5. Last evaluated: 2025-09-21. Review status: criteria provided, single submitter. Criteria: Invitae Variant Classification Sherloc (09022015). Collection method: clinical testing. Allele origin: germline.
Comment: This sequence change replaces glutamic acid, which is acidic and polar, with glutamine, which is neutral and polar, at codon 339 of the STXBP2 protein (p.Glu339Gln). This variant is present in population databases (no rsID available, gnomAD 0.007%). This variant has not been reported in the literature in individuals affected with STXBP2-related conditions. Invitae Evidence Modeling of protein sequence and biophysical properties (such as structural, functional, and spatial information, amino acid conservation, physicochemical variation, residue mobility, and thermodynamic stability) indicates that this missense variant is not expected to disrupt STXBP2 protein function with a negative predictive value of 95%. In summary, the available evidence is currently insufficient to determine the role of this variant in disease. Therefore, it has been classified as a Variant of Uncertain Significance.